The following is an entry in ClinVar:

NM_032237.5(POMK):c.688G>A (p.Ala230Thr)

Gene: POMK (protein O-mannose kinase; plus strand). Cytogenetic location: 8p11.21.
Variant type: single nucleotide variant.
Coding change: c.688G>A on transcript NM_032237.5 (MANE Select); coding-DNA position 688, G replaced by A.
Protein change: p.Ala230Thr; replaces alanine 230 with threonine.
Molecular consequence: missense variant.
Genome position (GRCh38, 1-based): chr8:43,122,512, G>A. VCF-style: chr8-43122512-G-A. GRCh37 (hg19) VCF-style: chr8-42977655-G-A.
Other names: c.688G>A, p.Ala230Thr (NM_001277971.2); short protein forms A230T.
Identifiers: ClinVar variation 1353980 (VCV001353980.13), dbSNP rs1018638122, ClinGen allele CA371122449.

ClinVar aggregate classification (germline): Uncertain significance. Review status: criteria provided, multiple submitters, no conflicts (2 of 4 stars). 2 submissions from 2 submitters: Uncertain significance (2). Last evaluated 2025-08-01.

Conditions:
Limb-girdle muscular dystrophy due to POMK deficiency. Also called: Muscular dystrophy-dystroglycanopathy (limb-girdle), type c, 12; MUSCULAR DYSTROPHY-DYSTROGLYCANOPATHY, LIMB-GIRDLE, POMK-RELATED. Identifiers: Orphanet 445110, MedGen C4015184, MONDO:0014489, OMIM 616094.
Muscular dystrophy-dystroglycanopathy (congenital with brain and eye anomalies), type a, 12 (MDDGA12). Also called: WALKER-WARBURG SYNDROME OR MUSCLE-EYE-BRAIN DISEASE, POMK-RELATED. Identifiers: Orphanet 899, MedGen C3808964, MONDO:0014101, OMIM 615249.

Allele frequency attached by ClinVar (database versions not stated): gnomAD 0.00001; gnomAD exomes 0.00001.
gnomAD v4.1: 17 of 1,614,004 alleles (0.0011%); highest among the groups gnomAD compares: Non-Finnish European, 0.001%; no homozygotes.

Submissions (2):

CeGaT Center for Human Genetics Tuebingen
Classification: Uncertain significance. Last evaluated: 2025-08-01. Review status: criteria provided, single submitter. Criteria: CeGaT Center For Human Genetics Tuebingen Variant Classification Criteria Version 2. Collection method: clinical testing. Allele origin: germline. Affected: yes. Observed: 2 variant alleles.
Comment: POMK: PM2, PM3

Labcorp Genetics (formerly Invitae), Labcorp
Classification: Uncertain significance for Muscular dystrophy-dystroglycanopathy (congenital with brain and eye anomalies), type a, 12; Limb-girdle muscular dystrophy due to POMK deficiency. Last evaluated: 2022-05-17. Review status: criteria provided, single submitter. Criteria: Invitae Variant Classification Sherloc (09022015). Collection method: clinical testing. Allele origin: germline.
Comment: This sequence change replaces alanine, which is neutral and non-polar, with threonine, which is neutral and polar, at codon 230 of the POMK protein (p.Ala230Thr). This variant is present in population databases (no rsID available, gnomAD 0.004%). This variant has not been reported in the literature in individuals affected with POMK-related conditions. Algorithms developed to predict the effect of missense changes on protein structure and function (SIFT, PolyPhen-2, Align-GVGD) all suggest that this variant is likely to be disruptive. In summary, the available evidence is currently insufficient to determine the role of this variant in disease. Therefore, it has been classified as a Variant of Uncertain Significance.